The following is an entry in ClinVar:

ClinVar aggregate classification (germline): Benign (1 of 4 stars; one submission).

Allele frequency attached by ClinVar (database versions not stated): gnomAD 0.44227 and 0.44500; TOPMed 0.44410; 1000 Genomes Project 0.49341; 1000 Genomes Project 30x 0.49656.
gnomAD v4.1: 67,600 of 152,034 alleles (44%); highest among the groups gnomAD compares: South Asian, 55%; 15,410 homozygotes.

Submission:

GeneDx
Classification: Benign. Last evaluated: 2018-06-14. Review status: criteria provided, single submitter. Criteria: GeneDx Variant Classification (06012015). Collection method: clinical testing. Allele origin: germline. Affected: yes.
Comment: This variant is considered likely benign or benign based on one or more of the following criteria: it is a conservative change, it occurs at a poorly conserved position in the protein, it is predicted to be benign by multiple in silico algorithms, and/or has population frequency not consistent with disease.

NM_006767.4(LZTR1):c.264-215T>G

Gene: LZTR1 (leucine zipper like post translational regulator 1; plus strand). Cytogenetic location: 22q11.21.
Variant type: single nucleotide variant.
Coding change: c.264-215T>G on transcript NM_006767.4 (MANE Select); 215 bases into the intron before coding-DNA position 264, T replaced by G.
Molecular consequence: intron variant.
Genome position (GRCh38, 1-based): chr22:20,985,626, T>G. VCF-style: chr22-20985626-T-G. GRCh37 (hg19) VCF-style: chr22-21339915-T-G.
Identifiers: ClinVar variation 561528 (VCV000561528.1), dbSNP rs178286, ClinGen allele CA15996588.